The following is an entry in ClinVar:

ClinVar aggregate classification (germline): Uncertain significance (1 of 4 stars; one submission).

Conditions:
SLC4A3-related disorder. Also called: SLC4A3-related condition.

Submission:

PreventionGenetics, part of Exact Sciences
Classification: Uncertain significance for SLC4A3-related condition. Last evaluated: 2024-11-15. Review status: criteria provided, single submitter. Criteria: ACMG Guidelines, 2015. Collection method: clinical testing. Allele origin: germline.
Comment: The SLC4A3 c.1798C>T variant is predicted to result in the amino acid substitution p.Arg600Cys. This variant has been reported in an individual with short QT syndrome (Christiansen et al. 2023. PubMed ID: 36806574). This variant has not been reported in a large population database (gnomAD), indicating this variant is rare. Functional studies in zebrafish showed that the variant was not able to rescue the short QT phenotype in a knockdown model (Christiansen et al. 2023. PubMed ID: 36806574). Although we suspect this variant may be pathogenic, at this time, the clinical significance of this variant is uncertain due to the absence of conclusive functional and genetic evidence.

NM_005070.4(SLC4A3):c.1717C>T (p.Arg573Cys)

Gene: SLC4A3 (solute carrier family 4 member 3; plus strand). Cytogenetic location: 2q35.
Variant type: single nucleotide variant.
Coding change: c.1717C>T on transcript NM_005070.4 (MANE Select); coding-DNA position 1717, C replaced by T.
Protein change: p.Arg573Cys; replaces arginine 573 with cysteine.
Molecular consequence: missense variant. On other transcripts: non-coding transcript variant (1).
Genome position (GRCh38, 1-based): chr2:219,634,575, C>T. VCF-style: chr2-219634575-C-T. GRCh37 (hg19) VCF-style: chr2-220499297-C-T.
Other names: c.1798C>T, p.Arg600Cys (NM_001326559.2, NM_201574.3); c.1717C>T, p.Arg573Cys (NM_001438863.1); c.1123C>T, p.Arg375Cys (NM_001438864.1); short protein forms R573C, R600C, R375C.
Identifiers: ClinVar variation 4986395 (VCV004986395.1).